The following is an entry in ClinVar:

ClinVar aggregate classification (germline): Conflicting classifications of pathogenicity. Review status: criteria provided, conflicting classifications (1 of 4 stars). 6 submissions from 6 submitters: Likely pathogenic (2); Uncertain significance (3). 1 of the submissions does not count toward it. Last evaluated 2026-06-08.

Conditions:
Noonan syndrome (NS). Also called: Noonan's syndrome. Identifiers: Orphanet 648, MedGen C0028326, MeSH D009634, MONDO:0018997. Disease mechanism: gain of function.
Noonan syndrome-like disorder with loose anagen hair 1 (NSLH1). Also called: TOSTI SYNDROME; MAZZANTI SYNDROME. Identifiers: Orphanet 2701, MedGen C4478716, MONDO:0054637, OMIM 607721.
Noonan syndrome-like disorder with loose anagen hair (NS/LAH). Also called: Noonan-like syndrome with loose anagen hair. Identifiers: Orphanet 2701, MedGen C1843181, MONDO:0011899.
RASopathy. Also called: rasopathies; Noonan spectrum disorder. Identifiers: Orphanet 536391, MedGen C5555857, MONDO:0021060.

Allele frequency attached by ClinVar (database versions not stated): gnomAD 0.00001.
gnomAD v4.1: 1 of 1,613,958 alleles (0.000062%); highest among the groups gnomAD compares: Admixed American, 0.0017%; no homozygotes.

Submissions (6):

Women's Health and Genetics/Laboratory Corporation of America, LabCorp
Classification: Likely pathogenic for Noonan syndrome-like disorder with loose anagen hair. Last evaluated: 2026-06-08. Review status: criteria provided, single submitter. Criteria: LabCorp Variant Classification Summary - May 2015. Collection method: clinical testing. Allele origin: germline.
Comment: Variant summary: SHOC2 c.187G>A (p.Gly63Arg) results in a non-conservative amino acid change in the encoded protein sequence. Algorithms developed to predict the effect of missense changes on protein structure and function are either unavailable or do not agree on the potential impact of this missense change. The variant was absent in 250528 control chromosomes. c.187G>A has been observed in individual(s) affected with Noonan Syndrome (Bessis_2019, Leach_2019, internal_testing). These data indicate that the variant is likely to be associated with disease. To our knowledge, no experimental evidence demonstrating an impact on protein function has been reported. The following publications have been ascertained in the context of this evaluation (PMID: 30417923, 29907801). ClinVar contains an entry for this variant (Variation ID: 981608). Based on the evidence outlined above, the variant was classified as likely pathogenic.

Victorian Clinical Genetics Services, Murdoch Childrens Research Institute
Classification: Uncertain significance for Noonan syndrome-like disorder with loose anagen hair 1. Last evaluated: 2025-07-14. Review status: criteria provided, single submitter. Criteria: ACMG Guidelines, 2015. Collection method: clinical testing. Allele origin: germline.
Comment: This variant is classified as VUS-3A. Evidence in support of pathogenic classification: Variant is present in gnomAD <0.001 for a dominant condition (v4: 1 heterozygote(s), 0 homozygote(s)); This variant has moderate functional evidence supporting abnormal protein function. p.(Gly63Arg) is observed to change the WT GVAF sequence (residues 63-66) to a canonical RVxF motif, suggested to result in increased interaction with PP1C, as do conventional RVxF motifs. In KRAS-mutant cancer cell lines, SHOC2 p.(Gly63Arg) variant was observed to enhance PP1C binding as well as increase MAPK activity (PMID: 35831509); Missense variant predicted to be damaging by in silico tool(s) or highly conserved with a major amino acid change. Additional information: Variant is predicted to result in a missense amino acid change from Gly to Arg; This variant is heterozygous; This gene is associated with autosomal dominant disease; Previous reports of pathogenicity for this variant are conflicting. This variant, along with an alternative nucleotide change resulting in the same protein outcome c.187G>C; p.(Gly63Arg), has been classified as a VUS and likely pathogenic by clinical laboratories. These variants have also been reported in the literature in a family with suspected Noonan syndrome and a prenatal case with cystic hygroma (PMIDs: 30417923, 29907801); No comparable missense variants have previous evidence for pathogenicity; Variant is not located in an established domain, motif, hotspot or informative constraint region; Gain of function is a known mechanism of disease in this gene and is associated with Noonan syndrome-like with loose anagen hair (MIM#607721). Missense variants in this gene result in enhanced MAPK activation (OMIM, PMID: 19684605).

3billion
Classification: Uncertain significance for Noonan syndrome-like disorder with loose anagen hair 1. Last evaluated: 2025-05-30. Review status: criteria provided, single submitter. Criteria: ACMG Guidelines, 2015. Collection method: clinical testing. Allele origin: germline. Affected: yes.
Comment: The variant is observed at an extremely low frequency in the gnomAD v4.1.0 dataset (total allele frequency: <0.001%). Predicted Consequence/Location: Missense variant. Missense changes are a common disease-causing mechanism. The same nucleotide change resulting in the same amino acid change has been previously reported to be associated with SHOC2-related disorder (ClinVar ID: VCV000981608 /PMID: 30417923). However, the evidence of pathogenicity is insufficient at this time. Therefore, this variant is classified as VUS according to the recommendation of ACMG/AMP guideline.

Labcorp Genetics (formerly Invitae), Labcorp
Classification: Likely pathogenic for RASopathy. Last evaluated: 2022-11-24. Review status: criteria provided, single submitter. Criteria: Invitae Variant Classification Sherloc (09022015). Collection method: clinical testing. Allele origin: germline.
Comment: This missense change has been observed in individuals with clinical features of Noonan syndrome (PMID: 29907801, 30417923; Invitae). It has also been observed to segregate with disease in related individuals. In summary, the currently available evidence indicates that the variant is pathogenic, but additional data are needed to prove that conclusively. Therefore, this variant has been classified as Likely Pathogenic. Advanced modeling of protein sequence and biophysical properties (such as structural, functional, and spatial information, amino acid conservation, physicochemical variation, residue mobility, and thermodynamic stability) performed at Invitae indicates that this missense variant is not expected to disrupt SHOC2 protein function. ClinVar contains an entry for this variant (Variation ID: 981608). This variant is not present in population databases (gnomAD no frequency). This sequence change replaces glycine, which is neutral and non-polar, with arginine, which is basic and polar, at codon 63 of the SHOC2 protein (p.Gly63Arg).

GeneDx
Classification: Uncertain significance. Last evaluated: 2019-10-17. Review status: criteria provided, single submitter. Criteria: GeneDx Variant Classification Process June 2021. Collection method: clinical testing. Allele origin: germline. Affected: yes.
Comment: Not observed in large population cohorts (Lek et al., 2016); In silico analysis, which includes protein predictors and evolutionary conservation, supports that this variant does not alter protein structure/function; Reported in ClinVar but additional evidence is not available (ClinVar Variant ID# 561714; Landrum et al., 2016); This variant is associated with the following publications: (PMID: 30417923)

Service de Génétique Moléculaire, Hôpital Robert Debré
Classification: Uncertain significance for Noonan syndrome. Review status: no assertion criteria provided. Collection method: clinical testing. Allele origin: unknown. Affected: yes. Not counted in ClinVar's aggregate classification.

Literature cited by the submitters: PubMed 29907801 (cited by 3 submitters); PubMed 30417923 (cited by 4 submitters); PubMed 19684605 (cited by Victorian Clinical Genetics Services, Murdoch Childrens Research Institute); PubMed 35831509 (cited by Victorian Clinical Genetics Services, Murdoch Childrens Research Institute).

NM_007373.4(SHOC2):c.187G>A (p.Gly63Arg)

Gene: SHOC2 (SHOC2 leucine rich repeat scaffold protein; plus strand). Cytogenetic location: 10q25.2.
Variant type: single nucleotide variant.
Coding change: c.187G>A on transcript NM_007373.4 (MANE Select); coding-DNA position 187, G replaced by A.
Protein change: p.Gly63Arg; replaces glycine 63 with arginine.
Molecular consequence: missense variant.
Genome position (GRCh38, 1-based): chr10:110,964,545, G>A. VCF-style: chr10-110964545-G-A. GRCh37 (hg19) VCF-style: chr10-112724303-G-A.
Other names: c.187G>A, p.Gly63Arg (NM_001269039.3, NM_001324336.2, NM_001324337.2); short protein forms G63R.
Identifiers: ClinVar variation 981608 (VCV000981608.11), dbSNP rs1564714645, ClinGen allele CA378382243.
Genomic context (GRCh38, chr10:110,964,545, plus strand): 5'-CCTAAGACCAAAGGGAAAGATGCCAAAGATGGAAAGAAGGACTCCAGTGCTGCCCAACCA[G>A]GGGTGGCATTTTCAGTTGACAATACGATCAAACGGCCAAACCCAGCACCTGGGACTAGAA-3'
Protein context (NP_031399.2, residues 53-73): GKKDSSAAQP[Gly63Arg]VAFSVDNTIK